The following is an entry in ClinVar:

ClinVar aggregate classification (germline): Uncertain significance. Review status: criteria provided, multiple submitters, no conflicts (2 of 4 stars). 2 submissions from 2 submitters: Uncertain significance (2). Last evaluated 2025-08-19.

Conditions:
Hereditary cancer-predisposing syndrome. Also called: Neoplastic Syndromes, Hereditary; Tumor predisposition; Hereditary Cancer Syndrome; Hereditary neoplastic syndrome. Identifiers: Orphanet 140162, MedGen C0027672, MeSH D009386, MONDO:0015356.
Pheochromocytoma/paraganglioma syndrome 3. Also called: GLOMUS TUMORS, FAMILIAL, 3; Paragangliomas 3; SDHC-Related Hereditary Paraganglioma-Pheochromocytoma Syndrome (Paragangliomas 3); SDHC-Related Hereditary Paraganglioma-Pheochromocytoma Syndrome. Identifiers: Orphanet 29072, MedGen C1854336, MONDO:0011544, OMIM 605373.
Gastrointestinal stromal tumor. Also called: Gastrointestinal stromal tumor, somatic; Gastrointestinal stroma tumor. Identifiers: Orphanet 44890, MedGen C0238198, MeSH D046152, MONDO:0011719, OMIM 606764, HP:0100723.

Submissions (2):

Ambry Genetics
Classification: Uncertain significance for Hereditary cancer-predisposing syndrome. Last evaluated: 2025-08-19. Review status: criteria provided, single submitter. Criteria: Ambry Variant Classification Scheme 2023. Collection method: clinical testing. Allele origin: germline.
Comment: The p.G152E variant (also known as c.455G>A), located in coding exon 6 of the SDHC gene, results from a G to A substitution at nucleotide position 455. The glycine at codon 152 is replaced by glutamic acid, an amino acid with similar properties. This amino acid position is highly conserved in available vertebrate species. In addition, this alteration is predicted to be deleterious by in silico analysis. Based on the available evidence, the clinical significance of this variant remains unclear.

Labcorp Genetics (formerly Invitae), Labcorp
Classification: Uncertain significance for Pheochromocytoma/paraganglioma syndrome 3; Gastrointestinal stromal tumor. Last evaluated: 2024-09-21. Review status: criteria provided, single submitter. Criteria: Invitae Variant Classification Sherloc (09022015). Collection method: clinical testing. Allele origin: germline.
Comment: This sequence change replaces glycine, which is neutral and non-polar, with glutamic acid, which is acidic and polar, at codon 152 of the SDHC protein (p.Gly152Glu). This variant is not present in population databases (gnomAD no frequency). This missense change has been observed in individual(s) with paraganglioma (internal data). ClinVar contains an entry for this variant (Variation ID: 825000). Invitae Evidence Modeling of protein sequence and biophysical properties (such as structural, functional, and spatial information, amino acid conservation, physicochemical variation, residue mobility, and thermodynamic stability) indicates that this missense variant is expected to disrupt SDHC protein function with a positive predictive value of 80%. In summary, the available evidence is currently insufficient to determine the role of this variant in disease. Therefore, it has been classified as a Variant of Uncertain Significance.

Literature cited by the submitters: PubMed 23612575 (cited by Ambry Genetics).

NM_003001.5(SDHC):c.455G>A (p.Gly152Glu)

Gene: SDHC (succinate dehydrogenase complex subunit C; plus strand). Cytogenetic location: 1q23.3.
Variant type: single nucleotide variant.
Coding change: c.455G>A on transcript NM_003001.5 (MANE Select); coding-DNA position 455, G replaced by A.
Protein change: p.Gly152Glu; replaces glycine 152 with glutamic acid.
Molecular consequence: missense variant. On other transcripts: nonsense (3).
Genome position (GRCh38, 1-based): chr1:161,362,378, G>A. VCF-style: chr1-161362378-G-A. GRCh37 (hg19) VCF-style: chr1-161332168-G-A.
Other names: c.291G>A, p.Trp97Ter (NM_001035511.3); c.353G>A, p.Gly118Glu (NM_001035512.3); c.296G>A, p.Gly99Glu (NM_001035513.3); c.189G>A, p.Trp63Ter (NM_001278172.3); c.575G>A, p.Gly192Glu (NM_001407115.1); c.398G>A, p.Gly133Glu (NM_001407116.1); c.392G>A, p.Gly131Glu (NM_001407117.1); c.347G>A, p.Gly116Glu (NM_001407118.1); and 2 more; short protein forms G118E, W63*, G99E, G152E, W97*, G115E, G116E, W78*.
Identifiers: ClinVar variation 825000 (VCV000825000.14), dbSNP rs1060501386, ClinGen allele CA343457778.